The following is an entry in ClinVar:

NM_000213.5(ITGB4):c.2521G>A (p.Ala841Thr)

Gene: ITGB4 (integrin subunit beta 4; plus strand). Cytogenetic location: 17q25.1.
Variant type: single nucleotide variant.
Coding change: c.2521G>A on transcript NM_000213.5 (MANE Select); coding-DNA position 2521, G replaced by A.
Protein change: p.Ala841Thr; replaces alanine 841 with threonine.
Molecular consequence: missense variant.
Genome position (GRCh38, 1-based): chr17:75,740,432, G>A. VCF-style: chr17-75740432-G-A. GRCh37 (hg19) VCF-style: chr17-73736513-G-A.
Other names: c.2521G>A, p.Ala841Thr (NM_001005619.2, NM_001005731.3, NM_001321123.2); c.2521G>A (NM_000213.4); short protein forms A841T.
Identifiers: ClinVar variation 2504794 (VCV002504794.7), dbSNP rs199531912, ClinGen allele CA8769433.

ClinVar aggregate classification (germline): Conflicting classifications of pathogenicity. Review status: criteria provided, conflicting classifications (1 of 4 stars). 4 submissions from 4 submitters: Uncertain significance (1); Likely benign (3). Last evaluated 2025-06-30.

Conditions:
Epidermolysis bullosa, junctional 5A, intermediate. Also called: EPIDERMOLYSIS BULLOSA, JUNCTIONAL 5A, GENERALIZED INTERMEDIATE; EPIDERMOLYSIS BULLOSA, JUNCTIONAL 5A, NON-HERLITZ TYPE. Identifiers: MedGen C5676956, MONDO:0030768, OMIM 619816.
Junctional epidermolysis bullosa with pyloric atresia. Also called: CARMI SYNDROME; APLASIA CUTIS CONGENITA WITH GASTROINTESTINAL ATRESIA; EB-PA-ACC; Junctional Epidermolysis Bullosa- Pyloric Atresia Syndrome; Epidermolysis bullosa, junctional, with pyloric atresia and aplasia cutis congenita; Epidermolysis bullosa junctionalis with pyloric atresia. Identifiers: Orphanet 79403, MedGen C5676875, MONDO:0009183, OMIM 226730.
ITGB4-related disorder. Also called: ITGB4-related condition.

Allele frequency attached by ClinVar (database versions not stated): TOPMed 0.00007; ESP Exome Variant Server 0.00008; gnomAD 0.00010; 1000 Genomes Project 0.00060; 1000 Genomes Project 30x 0.00062.
gnomAD v4.1: 190 of 1,613,818 alleles (0.012%); highest among the groups gnomAD compares: South Asian, 0.17%; 1 homozygote.

Submissions (4):

PreventionGenetics, part of Exact Sciences
Classification: Likely benign for ITGB4-related condition. Last evaluated: 2025-06-30. Review status: criteria provided, single submitter. Criteria: ACMG Guidelines, 2015. Collection method: clinical testing. Allele origin: germline.
Comment: This variant is classified as likely benign based on ACMG/AMP sequence variant interpretation guidelines (Richards et al. 2015 PMID: 25741868, with internal and published modifications).

GeneDx
Classification: Uncertain significance. Last evaluated: 2025-03-19. Review status: criteria provided, single submitter. Criteria: GeneDx Variant Classification Process June 2021. Collection method: clinical testing. Allele origin: germline.
Comment: Has not been previously published as pathogenic or benign to our knowledge; In silico analysis indicates that this missense variant does not alter protein structure/function

Labcorp Genetics (formerly Invitae), Labcorp
Classification: Likely benign. Last evaluated: 2024-07-01. Review status: criteria provided, single submitter. Criteria: Invitae Variant Classification Sherloc (09022015). Collection method: clinical testing. Allele origin: germline.

Fulgent Genetics
Classification: Likely benign for Junctional epidermolysis bullosa with pyloric atresia; Epidermolysis bullosa, junctional 5A, intermediate. Last evaluated: 2024-05-16. Review status: criteria provided, single submitter. Criteria: ACMG Guidelines, 2015. Collection method: clinical testing. Allele origin: germline.